The following is an entry in ClinVar:

NM_000492.4(CFTR):c.[1727G>C;2002C>T]

Variant type: Haplotype.
Identifiers: ClinVar variation 916697 (VCV000916697.5).

ClinVar aggregate classification (germline): Likely benign (1 of 4 stars; one submission).

Submission:

Women's Health and Genetics/Laboratory Corporation of America, LabCorp
Classification: Likely benign. Last evaluated: 2023-04-07. Review status: criteria provided, single submitter. Criteria: LabCorp Variant Classification Summary - May 2015. Collection method: clinical testing. Allele origin: germline.
Comment: Variant summary: CFTR c.[1727G>C;2002C>T] (p.[Gly576Ala;Arg668Cys]) variant is a common complex allele that involves the alteration of multiple nucleotides. The exact allele frequency of this complex variant could not be determined from population databases because the individual component variants of the complex have somewhat different frequencies and the exact number of alleles representing a combination of the two in cis is unknown. However, based on the frequency of the less prevalent allele, namely c.1727G>C, it can be estimated that the complex variant allele will be found at a frequency not to exceed 0.005 in 281660 control chromosomes. This frequency is not significantly higher than estimated for a pathogenic variant in CFTR causing Non-Classic Cystic Fibrosis (0.005 vs 0.013), allowing no conclusion about variant significance. c.[1727G>C;2002C>T] has been reported in the literature with non-informative genotypes in several patients with a wide spectrum of CFTR-related disorders (mostly CBAVD), including some with CF (example, El-Seedy 2012, Zietkiewicz 2013, Alonso 2007), but was also found in asymptomatic compound heterozygotes who had a CF-causing, or a CFTR-RD-causing variant in trans (example, El-Seedy 2012, and in the CFTR-France database), which might indicate an incomplete penetrance for this complex variant in settings of CFTR-related disorders. The possibility of a third variant, c.1327G>T (p.Asp443Tyr) representing a triple-variant complex allele with a more penetrant pathogenic outcome relative to this double variant allele has been reported (El-Seedy_2012). However, the extent of genotyping and varying reports make it challenging to unequivocally confirm the presence or absence of c.1327G>T in all previously reported CBAVD patients with the c.[1727G>C;2002C>T] complex allele. At-least one publication reported experimental evidence evaluating an impact on protein function of these variants in isolation as well as part of the complex haplotype. The authors concluded that the complex variant resulted in a lower chloride channel activity than the two variants in isolation (approximately 30% of wild-type levels) that could account for the pathogenicity of the overall haplotype (El-Seedy_2012). However, the effect of the complex allele on CFTR processing and subcellular localization to the plasma membrane did not differ from the wild-type controls. In addition, another study proposed a significant exon 12 skipping for the complex variant (Pagani_2003). However, the results as presented do not allow unequivocal conclusions regarding the impact of this complex allele on CFTR exon 12 skipping and therefore considered uninformative in the context of this ascertainment. These results are consistent with a mild functional effect attributed to the complex allele (El-Seedy 2012), however additional evidence further corroborating the exact in-vivo consequence of this finding in well accepted functional studies is awaited. In contrast however, c.1727G>C and c.2002C>T in isolation have been reported as non-CF causing based on a large study evaluating the functional consequences of CFTR variants (Sosnay_2013). No clinical diagnostic laboratories have submitted clinical-significance assessments for this complex variant combination to ClinVar after 2014. Based on the evidence outlined above, the complex allele was classified as likely benign for CFTR-related disorders.

Literature cited by the submitters: PubMed 9272157; PubMed 12719375; PubMed 10922395; PubMed 7543317; PubMed 8644755; PubMed 17331079; PubMed 17329263; PubMed 16128988; PubMed 21658649; PubMed 22678879; PubMed 23974870; PubMed 24586523; PubMed 31350925; PubMed 31310009; PubMed 33613790.